The following is an entry in ClinVar:

NM_000535.7(PMS2):c.844A>G (p.Arg282Gly)

Gene: PMS2 (PMS1 homolog 2, mismatch repair system component; minus strand). Cytogenetic location: 7p22.1.
Variant type: single nucleotide variant.
Coding change: c.844A>G on transcript NM_000535.7 (MANE Select); coding-DNA position 844, A replaced by G.
Protein change: p.Arg282Gly; replaces arginine 282 with glycine.
Molecular consequence: missense variant. On other transcripts: 5 prime UTR variant (2), non-coding transcript variant (1).
Genome position (GRCh38, 1-based): chr7:5,995,593, T>C on the plus strand (A>G on the coding strand, the complement: PMS2 is on the minus strand). VCF-style: chr7-5995593-T-C. GRCh37 (hg19) VCF-style: chr7-6035224-T-C.
Other names: c.439A>G, p.Arg147Gly (NM_001322003.2, NM_001322004.2, NM_001322005.2 and 2 more transcripts); c.844A>G, p.Arg282Gly (NM_001322006.2, NM_001322014.2); c.526A>G, p.Arg176Gly (NM_001322007.2, NM_001322008.2); c.-90A>G (NM_001322011.2, NM_001322012.2); c.271A>G, p.Arg91Gly (NM_001322013.2); c.535A>G, p.Arg179Gly (NM_001322015.2); short protein forms R282G, R91G, R147G, R176G, R179G.
Identifiers: ClinVar variation 484264 (VCV000484264.18), dbSNP rs1554300793, ClinGen allele CA366743506.
Genomic context (GRCh38, chr7:5,995,593, plus strand): 5'-CCTTTGCTGGGTCACAAGGCCGCCGGTTGATAAAGAAAAACTGTCTGTCTGTTGAACTCC[T>C]TCCAACTCCATGCGTGCATTGTGAAATGAAACCTGAGATGCTATTCAACATTAATATGGT-3'
Protein context (NP_000526.2, residues 272-292): FISQCTHGVG[Arg282Gly]SSTDRQFFFI

ClinVar aggregate classification (germline): Uncertain significance. Review status: criteria provided, multiple submitters, no conflicts (2 of 4 stars). 5 submissions from 5 submitters: Uncertain significance (5). Last evaluated 2025-05-23.

Conditions:
Lynch syndrome. Identifiers: Orphanet 144, MedGen C4552100, MONDO:0005835. Disease mechanism: loss of function.
Hereditary nonpolyposis colorectal neoplasms. Identifiers: MedGen C0009405, MeSH D003123.
Hereditary cancer-predisposing syndrome. Also called: Neoplastic Syndromes, Hereditary; Tumor predisposition; Hereditary Cancer Syndrome; Hereditary neoplastic syndrome. Identifiers: Orphanet 140162, MedGen C0027672, MeSH D009386, MONDO:0015356.

Allele frequency attached by ClinVar (database versions not stated): TOPMed below 0.00001; gnomAD 0.00001.

Submissions (5):

Ambry Genetics
Classification: Uncertain significance for Hereditary cancer-predisposing syndrome. Last evaluated: 2025-05-23. Review status: criteria provided, single submitter. Criteria: Ambry Variant Classification Scheme 2023. Collection method: clinical testing. Allele origin: germline.
Comment: The p.R282G variant (also known as c.844A>G), located in coding exon 8 of the PMS2 gene, results from an A to G substitution at nucleotide position 844. The arginine at codon 282 is replaced by glycine, an amino acid with dissimilar properties. This amino acid position is highly conserved in available vertebrate species. In addition, this alteration is predicted to be deleterious by in silico analysis. Since supporting evidence is limited at this time, the clinical significance of this alteration remains unclear.

Labcorp Genetics (formerly Invitae), Labcorp
Classification: Uncertain significance for Hereditary nonpolyposis colorectal neoplasms. Last evaluated: 2024-12-24. Review status: criteria provided, single submitter. Criteria: Invitae Variant Classification Sherloc (09022015). Collection method: clinical testing. Allele origin: germline.
Comment: This sequence change replaces arginine, which is basic and polar, with glycine, which is neutral and non-polar, at codon 282 of the PMS2 protein (p.Arg282Gly). This variant is not present in population databases (gnomAD no frequency). This variant has not been reported in the literature in individuals affected with PMS2-related conditions. ClinVar contains an entry for this variant (Variation ID: 484264). Invitae Evidence Modeling incorporating data from in vitro experimental studies (internal data) indicates that this missense variant is not expected to disrupt PMS2 function with a negative predictive value of 95%. In summary, the available evidence is currently insufficient to determine the role of this variant in disease. Therefore, it has been classified as a Variant of Uncertain Significance.

Color Diagnostics, LLC DBA Color Health
Classification: Uncertain significance for Hereditary cancer-predisposing syndrome. Last evaluated: 2024-03-06. Review status: criteria provided, single submitter. Criteria: ACMG Guidelines, 2015. Collection method: clinical testing. Allele origin: germline.
Comment: This missense variant replaces arginine with glycine at codon 282 of the PMS2 protein. Computational prediction suggests that this variant may have deleterious impact on protein structure and function (internally defined REVEL score threshold >= 0.7, PMID: 27666373). To our knowledge, functional studies have not been reported for this variant. This variant has not been reported in individuals affected with PMS2-related disorders in the literature. This variant has not been identified in the general population by the Genome Aggregation Database (gnomAD). The available evidence is insufficient to determine the role of this variant in disease conclusively. Therefore, this variant is classified as a Variant of Uncertain Significance.

All of Us Research Program, National Institutes of Health
Classification: Uncertain significance for Lynch syndrome. Last evaluated: 2023-06-08. Review status: criteria provided, single submitter. Criteria: ACMG Guidelines, 2015. Collection method: clinical testing. Allele origin: germline. Inheritance: Autosomal dominant inheritance. Observed: 1 variant allele, 1 heterozygote.
Comment: This missense variant replaces arginine with glycine at codon 282 of the PMS2 protein. Computational prediction suggests that this variant may have deleterious impact on protein structure and function (internally defined REVEL score threshold >= 0.7, PMID: 27666373). To our knowledge, functional studies have not been reported for this variant. This variant has not been reported in individuals affected with PMS2-related disorders in the literature. This variant has not been identified in the general population by the Genome Aggregation Database (gnomAD). The available evidence is insufficient to determine the role of this variant in disease conclusively. Therefore, this variant is classified as a Variant of Uncertain Significance.

This study involves interpretation of variants in research participants for the purpose of population health screening. Participant phenotype was not available at the time of variant classification. Additional details can be found in publication PMID: 35346344, PMCID: PMC8962531

GeneDx
Classification: Uncertain significance. Last evaluated: 2019-07-16. Review status: criteria provided, single submitter. Criteria: GeneDx Variant Classification Process June 2021. Collection method: clinical testing. Allele origin: germline. Affected: yes.
Comment: Not observed in large population cohorts (Lek et al., 2016); In silico analysis, which includes protein predictors and evolutionary conservation, supports a deleterious effect; Has not been previously published as pathogenic or benign to our knowledge